The following is an entry in ClinVar:

ClinVar aggregate classification (germline): Likely benign (1 of 4 stars; one submission).

Allele frequency attached by ClinVar (database versions not stated): gnomAD 0.00001; TOPMed 0.00001; gnomAD exomes 0.00002.
gnomAD v4.1: 35 of 1,581,532 alleles (0.0022%); highest among the groups gnomAD compares: Non-Finnish European, 0.003%; no homozygotes.

Submission:

GeneDx
Classification: Likely benign. Last evaluated: 2016-05-19. Review status: criteria provided, single submitter. Criteria: GeneDx Variant Classification (06012015). Collection method: clinical testing. Allele origin: germline. Affected: yes.
Comment: This variant is considered likely benign or benign based on one or more of the following criteria: it is a conservative change, it occurs at a poorly conserved position in the protein, it is predicted to be benign by multiple in silico algorithms, and/or has population frequency not consistent with disease.

NM_001122955.4(BSCL2):c.130G>C (p.Gly44Arg)

Genes: BSCL2 (BSCL2 lipid droplet biogenesis associated, seipin; minus strand), HNRNPUL2-BSCL2 (HNRNPUL2-BSCL2 readthrough (NMD candidate); minus strand). Cytogenetic location: 11q12.3.
Variant type: single nucleotide variant.
Coding change: c.130G>C on transcript NM_001122955.4 (MANE Select); coding-DNA position 130, G replaced by C.
Protein change: p.Gly44Arg; replaces glycine 44 with arginine.
Molecular consequence: missense variant. On other transcripts: non-coding transcript variant (1), 5 prime UTR variant (2).
Genome position (GRCh38, 1-based): chr11:62,705,575, C>G on the plus strand (G>C on the coding strand, the complement: BSCL2 is on the minus strand). VCF-style: chr11-62705575-C-G. GRCh37 (hg19) VCF-style: chr11-62473047-C-G.
Other names: c.-63G>C (NM_001130702.2, NM_032667.6); c.130G>C, p.Gly44Arg (NM_001386027.1, NM_001386028.1); short protein forms G44R.
Identifiers: ClinVar variation 386143 (VCV000386143.1), dbSNP rs900971126, ClinGen allele CA16605960.